The following is an entry in ClinVar:

NM_017636.4(TRPM4):c.918_919del (p.Ala307fs)

Gene: TRPM4 (transient receptor potential cation channel subfamily M member 4; plus strand). Cytogenetic location: 19q13.33.
Variant type: Deletion.
Coding change: c.918_919del on transcript NM_017636.4 (MANE Select); coding-DNA positions 918 to 919, 2 bases deleted (AG; older notation c.918_919delAG).
Protein change: p.Ala307fs; shifts the reading frame from alanine 307.
Molecular consequence: frameshift variant. On other transcripts: 5 prime UTR variant (1).
Genome position (GRCh38, 1-based): chr19:49,171,637-49,171,638, AG deleted; deleting any 2 consecutive bases within chr19:49,171,636-49,171,638 gives the same sequence; the c. name uses the placement nearest the transcript's 3' end. VCF-style (leftmost placement, unchanged base first): chr19-49171635-GGA-G. GRCh37 (hg19) VCF-style: chr19-49674892-GGA-G.
Other names: c.918_919del, p.Ala307fs (NM_001195227.2); c.573_574del, p.Ala192fs (NM_001321281.2); c.-636_-635del (NM_001321282.2); c.396_397del, p.Ala133fs (NM_001321283.2); c.69_70del, p.Ala24fs (NM_001321285.2); short protein forms A133fs, A307fs, A24fs, A192fs.
Identifiers: ClinVar variation 2802588 (VCV002802588.3), dbSNP rs2514071322, ClinGen allele CA2739276918.

ClinVar aggregate classification (germline): Uncertain significance (1 of 4 stars; one submission).

Conditions:
Progressive familial heart block type IB (PFHB1B). Identifiers: Orphanet 871, MedGen C1970298, MONDO:0011474, OMIM 604559.

Submission:

Labcorp Genetics (formerly Invitae), Labcorp
Classification: Uncertain significance for Progressive familial heart block type IB. Last evaluated: 2023-08-28. Review status: criteria provided, single submitter. Criteria: Invitae Variant Classification Sherloc (09022015). Collection method: clinical testing. Allele origin: germline.
Comment: This sequence change creates a premature translational stop signal (p.Ala307Cysfs*38) in the TRPM4 gene. It is expected to result in an absent or disrupted protein product. However, the current clinical and genetic evidence is not sufficient to establish whether loss-of-function variants in TRPM4 cause disease. This variant is not present in population databases (gnomAD no frequency). This variant has not been reported in the literature in individuals affected with TRPM4-related conditions. In summary, the available evidence is currently insufficient to determine the role of this variant in disease. Therefore, it has been classified as a Variant of Uncertain Significance.